The following is an entry in ClinVar:

ClinVar aggregate classification (germline): Uncertain significance. Review status: criteria provided, multiple submitters, no conflicts (2 of 4 stars). 2 submissions from 2 submitters: Uncertain significance (2). Last evaluated 2022-04-07.

Conditions:
Familial adenomatous polyposis 1 (FAP1). Also called: POLYPOSIS, ADENOMATOUS INTESTINAL; FAMILIAL ADENOMATOUS POLYPOSIS 1, ATTENUATED. Identifiers: MedGen C2713442, MONDO:0021056, OMIM 175100. Disease mechanism: loss of function.
Hereditary cancer-predisposing syndrome. Also called: Neoplastic Syndromes, Hereditary; Tumor predisposition; Hereditary neoplastic syndrome; Hereditary Cancer Syndrome. Identifiers: Orphanet 140162, MedGen C0027672, MeSH D009386, MONDO:0015356.

Submissions (2):

Labcorp Genetics (formerly Invitae), Labcorp
Classification: Uncertain significance for Familial adenomatous polyposis 1. Last evaluated: 2022-04-07. Review status: criteria provided, single submitter. Criteria: Invitae Variant Classification Sherloc (09022015). Collection method: clinical testing. Allele origin: germline.
Comment: This sequence change replaces valine, which is neutral and non-polar, with leucine, which is neutral and non-polar, at codon 2019 of the APC protein (p.Val2019Leu). This variant is not present in population databases (gnomAD no frequency). This variant has not been reported in the literature in individuals affected with APC-related conditions. ClinVar contains an entry for this variant (Variation ID: 826158). Algorithms developed to predict the effect of missense changes on protein structure and function are either unavailable or do not agree on the potential impact of this missense change (SIFT: "Deleterious"; PolyPhen-2: "Probably Damaging"; Align-GVGD: "Class C0"). In summary, the available evidence is currently insufficient to determine the role of this variant in disease. Therefore, it has been classified as a Variant of Uncertain Significance.

Ambry Genetics
Classification: Uncertain significance for Hereditary cancer-predisposing syndrome. Last evaluated: 2018-08-09. Review status: criteria provided, single submitter. Criteria: Ambry Variant Classification Scheme 2023. Collection method: clinical testing. Allele origin: germline.
Comment: The p.V2019L variant (also known as c.6055G>C), located in coding exon 15 of the APC gene, results from a G to C substitution at nucleotide position 6055. The valine at codon 2019 is replaced by leucine, an amino acid with highly similar properties. This amino acid position is highly conserved in available vertebrate species. In addition, in silico predictors for this gene do not accurately predict pathogenicity. Since supporting evidence is limited at this time, the clinical significance of this alteration remains unclear.

NM_000038.6(APC):c.6055G>C (p.Val2019Leu)

Gene: APC (APC regulator of Wnt signaling pathway; plus strand). Cytogenetic location: 5q22.2.
Variant type: single nucleotide variant.
Coding change: c.6055G>C on transcript NM_000038.6 (MANE Select); coding-DNA position 6055, G replaced by C.
Protein change: p.Val2019Leu; replaces valine 2019 with leucine.
Molecular consequence: missense variant.
Genome position (GRCh38, 1-based): chr5:112,841,649, G>C. VCF-style: chr5-112841649-G-C. GRCh37 (hg19) VCF-style: chr5-112177346-G-C.
Other names: c.6055G>C, p.Val2019Leu (NM_001127510.3, NM_001354895.2); c.6001G>C, p.Val2001Leu (NM_001127511.3); c.6109G>C, p.Val2037Leu (NM_001354896.2); c.6085G>C, p.Val2029Leu (NM_001354897.2); c.5980G>C, p.Val1994Leu (NM_001354898.2); c.5971G>C, p.Val1991Leu (NM_001354899.2); c.5932G>C, p.Val1978Leu (NM_001354900.2); c.5878G>C, p.Val1960Leu (NM_001354901.2); and 5 more; short protein forms V1736L, V1960L, V1978L, V1991L, V1859L, V1928L, V1994L, V1893L.
Identifiers: ClinVar variation 826158 (VCV000826158.7), dbSNP rs1580667170, ClinGen allele CA16034581.